The following is an entry in ClinVar:

NM_002458.3(MUC5B):c.8278T>C (p.Ser2760Pro)

Genes: MUC5B (mucin 5B, oligomeric mucus/gel-forming; plus strand), MUC5B-AS1 (MUC5B antisense RNA 1; minus strand). Cytogenetic location: 11p15.5.
Variant type: single nucleotide variant.
Coding change: c.8278T>C on transcript NM_002458.3 (MANE Select); coding-DNA position 8278, T replaced by C.
Protein change: p.Ser2760Pro; replaces serine 2760 with proline.
Molecular consequence: missense variant.
Genome position (GRCh38, 1-based): chr11:1,245,158, T>C. VCF-style: chr11-1245158-T-C. GRCh37 (hg19) VCF-style: chr11-1266388-T-C.
Other names: short protein forms S2760P.
Identifiers: ClinVar variation 3250629 (VCV003250629.18), dbSNP rs200297867.

ClinVar aggregate classification (germline): Likely benign (1 of 4 stars; one submission).

Allele frequency attached by ClinVar (database versions not stated): gnomAD 0.00017; 1000 Genomes Project 30x 0.00047; ExAC 0.00096.

Submission:

CeGaT Center for Human Genetics Tuebingen
Classification: Likely benign. Last evaluated: 2024-07-01. Review status: criteria provided, single submitter. Criteria: CeGaT Center For Human Genetics Tuebingen Variant Classification Criteria Version 2. Collection method: clinical testing. Allele origin: germline. Affected: yes. Observed: 1 variant allele.
Comment: MUC5B: BP4, BS2